The following is an entry in ClinVar:

ClinVar aggregate classification (germline): Benign. Review status: criteria provided, multiple submitters, no conflicts (2 of 4 stars). 3 submissions from 3 submitters: Benign (3). Last evaluated 2018-06-23.

Conditions:
Deafness-encephaloneuropathy-obesity-valvulopathy syndrome. Identifiers: Orphanet 254898, MedGen C3553354, MONDO:0013837, OMIM 614651.

Allele frequency attached by ClinVar (database versions not stated): 1000 Genomes Project 0.08986; 1000 Genomes Project 30x 0.09275; TOPMed 0.12657; gnomAD 0.12810 and 0.13025; gnomAD exomes 0.15814.
gnomAD v4.1: 227,525 of 1,471,050 alleles (15%); highest among the groups gnomAD compares: Admixed American, 24%; 19,318 homozygotes.

Submissions (3):

GeneDx
Classification: Benign. Last evaluated: 2018-06-23. Review status: criteria provided, single submitter. Criteria: GeneDx Variant Classification Process June 2021. Collection method: clinical testing. Allele origin: germline. Affected: yes.

Illumina Laboratory Services, Illumina
Classification: Benign for Deafness-encephaloneuropathy-obesity-valvulopathy syndrome. Last evaluated: 2018-01-13. Review status: criteria provided, single submitter. Criteria: ICSL Variant Classification Criteria 13 December 2019. Collection method: clinical testing. Allele origin: germline.
Comment: This variant was observed in the ICSL laboratory as part of a predisposition screen in an ostensibly healthy population. It had not been previously curated by ICSL or reported in the Human Gene Mutation Database (HGMD: prior to June 1st, 2018), and was therefore a candidate for classification through an automated scoring system. Utilizing variant allele frequency, disease prevalence and penetrance estimates, and inheritance mode, an automated score was calculated to assess if this variant is too frequent to cause the disease. Based on the score and internal cut-off values, a variant classified as benign is not then subjected to further curation. The score for this variant resulted in a classification of benign for this disease.

Breakthrough Genomics
Classification: Benign. Review status: criteria provided, single submitter. Criteria: ACMG Guidelines, 2015. Collection method: not provided. Allele origin: germline. Inheritance: Autosomal recessive inheritance. Affected: yes.

NM_014317.5(PDSS1):c.*76C>T

Gene: PDSS1 (decaprenyl diphosphate synthase subunit 1; plus strand). Cytogenetic location: 10p12.1.
Variant type: single nucleotide variant.
Coding change: c.*76C>T on transcript NM_014317.5 (MANE Select); 76 bases downstream of the stop codon, C replaced by T.
Molecular consequence: 3 prime UTR variant.
Genome position (GRCh38, 1-based): chr10:26,746,549, C>T. VCF-style: chr10-26746549-C-T. GRCh37 (hg19) VCF-style: chr10-27035478-C-T.
Other names: c.*212C>T (NM_001321978.2); c.*76C>T (NM_001321979.2).
Identifiers: ClinVar variation 299704 (VCV000299704.8), dbSNP rs12776877, ClinGen allele CA10631536.
Genomic context (GRCh38, chr10:26,746,549, plus strand): 5'-TTTCTGGCAGCTATCTTACCAGACTGTGCCTAAAGAATTTTGTGGAATACACTTTGTTTG[C>T]TTCATGTGCAGATAACCAAAAATCATTTTAAAAGATATCAAACTTATTGATGGGCAATTT-3'